The following is an entry in ClinVar:

NM_001083962.2(TCF4):c.345A>T (p.Glu115Asp)

Gene: TCF4 (transcription factor 4; minus strand). Cytogenetic location: 18q21.2.
Variant type: single nucleotide variant.
Coding change: c.345A>T on transcript NM_001083962.2 (MANE Select); coding-DNA position 345, A replaced by T.
Protein change: p.Glu115Asp; replaces glutamic acid 115 with aspartic acid.
Molecular consequence: missense variant. On other transcripts: 5 prime UTR variant (3).
Genome position (GRCh38, 1-based): chr18:55,403,478, T>A on the plus strand (A>T on the coding strand, the complement: TCF4 is on the minus strand). VCF-style: chr18-55403478-T-A. GRCh37 (hg19) VCF-style: chr18-53070709-T-A.
Other names: c.651A>T, p.Glu217Asp (NM_001243226.3); c.273A>T, p.Glu91Asp (NM_001243227.2, NM_001306207.1, NM_001348217.1 and 15 more transcripts); c.345A>T, p.Glu115Asp (NM_001243228.2, NM_001330604.3, NM_001369567.1 and 8 more transcripts); c.339A>T, p.Glu113Asp (NM_001243230.2); c.219A>T, p.Glu73Asp (NM_001243231.2, NM_001348211.2); c.135A>T, p.Glu45Asp (NM_001243232.1, NM_001306208.1); c.-46A>T (NM_001243233.2, NM_001348213.2); c.-43A>T (NM_001348212.2); short protein forms E113D, E115D, E217D, E45D, E73D, E91D.
Identifiers: ClinVar variation 2502674 (VCV002502674.1), dbSNP rs1293820192, ClinGen allele CA402702848.
Genomic context (GRCh38, chr18:55,403,478, plus strand): 5'-CCTCTCAACCCTTCCGCAACAGAGATTCTCACTTACCTGGTGGCAACCCTGTAAGTTTGA[T>A]TCTCTCCCATAAGATGAGTATGAGCCCCTTTCTGTTTTACCTGCCAAGAGAAACGACAAA-3'
Protein context (NP_001077431.1, residues 105-125): ERGSYSSYGR[Glu115Asp]SNLQGCHQQS

ClinVar aggregate classification (germline): Uncertain significance (1 of 4 stars; one submission).

Submission:

GeneDx
Classification: Uncertain significance. Last evaluated: 2022-11-16. Review status: criteria provided, single submitter. Criteria: GeneDx Variant Classification Process June 2021. Collection method: clinical testing. Allele origin: germline. Affected: yes.
Comment: Not observed at significant frequency in large population cohorts (gnomAD); In silico analysis supports that this missense variant does not alter protein structure/function; Has not been previously published as pathogenic or benign to our knowledge